The following is an entry in ClinVar:

ClinVar aggregate classification (germline): Uncertain significance (1 of 4 stars; one submission).

Conditions:
Inborn genetic diseases. Identifiers: MedGen C0950123, MeSH D030342.

Submission:

Ambry Genetics
Classification: Uncertain significance for Inborn genetic diseases. Last evaluated: 2025-12-02. Review status: criteria provided, single submitter. Criteria: Ambry Variant Classification Scheme 2023. Collection method: clinical testing. Allele origin: germline.
Comment: The c.3377G>A (p.R1126Q) alteration is located in exon 21 (coding exon 21) of the SHANK3 gene. This alteration results from a G to A substitution at nucleotide position 3377, causing the arginine (R) at amino acid position 1126 to be replaced by a glutamine (Q). Based on data from gnomAD, the A allele has an overall frequency of <0.001% (1/223166) total alleles studied. The highest observed frequency was <0.001% (/) of alleles. Based on insufficient or conflicting evidence, the clinical significance of this alteration remains unclear.

NM_033517.1:c.3377G>A

Gene: SHANK3 (SH3 and multiple ankyrin repeat domains 3; plus strand).
Variant type: single nucleotide variant.
Other names: c.3377G>A (NM_033517.1).
Identifiers: ClinVar variation 4630858 (VCV004630858.1).